The following is an entry in ClinVar:

ClinVar aggregate classification (germline): Conflicting classifications of pathogenicity. Review status: criteria provided, conflicting classifications (1 of 4 stars). 4 submissions from 4 submitters: Uncertain significance (1); Likely benign (3). Last evaluated 2024-09-03.

Conditions:
Long QT syndrome (LQTS). Identifiers: MedGen C0023976, MeSH D008133, MONDO:0002442. Disease mechanism: loss of function. Inheritance: Various modes of inheritance.
Cardiac arrhythmia. Also called: Cardiac rhythm disease; Arrhythmia. Identifiers: MedGen C0003811, MONDO:0007263, HP:0011675.

Allele frequency attached by ClinVar (database versions not stated): gnomAD 0.00003; gnomAD exomes 0.00004 and 0.00010; TOPMed 0.00006; ExAC 0.00018.
gnomAD v4.1: 66 of 1,561,606 alleles (0.0042%); highest among the groups gnomAD compares: East Asian, 0.065%; 1 homozygote.

Submissions (4):

Blueprint Genetics
Classification: Likely benign. Last evaluated: 2024-09-03. Review status: criteria provided, single submitter. Criteria: ACMG Guidelines, 2015. Collection method: clinical testing. Allele origin: germline.

GeneDx
Classification: Uncertain significance. Last evaluated: 2024-04-18. Review status: criteria provided, single submitter. Criteria: GeneDx Variant Classification Process June 2021. Collection method: clinical testing. Allele origin: germline.
Comment: Has not been previously published as pathogenic or benign to our knowledge; In silico analysis supports that this variant does not alter splicing; Reported using an alternate transcript of the gene

Labcorp Genetics (formerly Invitae), Labcorp
Classification: Likely benign for Long QT syndrome. Last evaluated: 2021-08-13. Review status: criteria provided, single submitter. Criteria: Invitae Variant Classification Sherloc (09022015). Collection method: clinical testing. Allele origin: germline.

Color Diagnostics, LLC DBA Color Health
Classification: Likely benign for Arrhythmia. Last evaluated: 2019-02-16. Review status: criteria provided, single submitter. Criteria: ACMG Guidelines, 2015. Collection method: clinical testing. Allele origin: germline.

NM_000238.4(KCNH2):c.1128+1830C>T

Gene: KCNH2 (potassium voltage-gated channel subfamily H member 2; minus strand). Cytogenetic location: 7q36.1.
Variant type: single nucleotide variant.
Coding change: c.1128+1830C>T on transcript NM_000238.4 (MANE Select); 1830 bases into the intron after coding-DNA position 1128, C replaced by T.
Molecular consequence: intron variant. On other transcripts: missense variant (2), non-coding transcript variant (1).
Genome position (GRCh38, 1-based): chr7:150,955,461, G>A on the plus strand (C>T on the coding strand, the complement: KCNH2 is on the minus strand). VCF-style: chr7-150955461-G-A. GRCh37 (hg19) VCF-style: chr7-150652549-G-A.
Other names: c.43C>T, p.Arg15Trp (NM_172057.3, NM_001204798.2); c.840+1830C>T (NM_001406753.1, NM_001406756.1); c.1128+1830C>T (NM_172056.3); c.951+1830C>T (NM_001406755.1); c.828+1830C>T (NM_001406757.1); short protein forms R15W.
Identifiers: ClinVar variation 700755 (VCV000700755.17), dbSNP rs778819756, ClinGen allele CA026970.
Genomic context (GRCh38, chr7:150,955,461, plus strand): 5'-GGGCCACGAGGCTGGAGATGCGCACGGCCCGCCTCACCCGGCCTTTCTGGGCCCTGGGCC[G>A]CAGAGCCCCTGTCCTGCTCGCCTTCCCGGCTGGGGCCGCCATGGAGGACTTGGCTCCCTG-3'